The following is an entry in ClinVar:

ClinVar aggregate classification (germline): Uncertain significance (1 of 4 stars; one submission).

Conditions:
Muscular dystrophy-dystroglycanopathy (congenital with impaired intellectual development), type B, 2. Also called: Muscular dystrophy-dystroglycanopathy (congenital with intellectual disability), type B2; MUSCULAR DYSTROPHY, CONGENITAL, POMT2-RELATED. Identifiers: MedGen C3150416, MONDO:0013160, OMIM 613156.
Autosomal recessive limb-girdle muscular dystrophy type 2N. Also called: Muscular dystrophy-dystroglycanopathy (limb-girdle), type C, 2; MUSCULAR DYSTROPHY-DYSTROGLYCANOPATHY, LIMB-GIRDLE, POMT2-RELATED. Identifiers: Orphanet 206559, MedGen C3150418, MONDO:0013162, OMIM 613158.
Muscular dystrophy-dystroglycanopathy (congenital with brain and eye anomalies), type A2. Also called: MUSCULAR DYSTROPHY-DYSTROGLYCANOPATHY (CONGENITAL WITH BRAIN AND EYE ANOMALIES), TYPE A, 2; WALKER-WARBURG SYNDROME OR MUSCLE-EYE-BRAIN DISEASE, POMT2-RELATED. Identifiers: Orphanet 588, Orphanet 899, MedGen C3150411, MONDO:0013154, OMIM 613150.

Allele frequency attached by ClinVar (database versions not stated): ExAC 0.00006.
gnomAD v4.1: 11 of 1,546,450 alleles (0.00071%); highest among the groups gnomAD compares: South Asian, 0.0059%; no homozygotes.

Submission:

Labcorp Genetics (formerly Invitae), Labcorp
Classification: Uncertain significance for Muscular dystrophy-dystroglycanopathy (congenital with impaired intellectual development), type B, 2; Muscular dystrophy-dystroglycanopathy (congenital with brain and eye anomalies), type A2; Autosomal recessive limb-girdle muscular dystrophy type 2N. Last evaluated: 2024-02-24. Review status: criteria provided, single submitter. Criteria: Invitae Variant Classification Sherloc (09022015). Collection method: clinical testing. Allele origin: germline.
Comment: This sequence change replaces histidine, which is basic and polar, with arginine, which is basic and polar, at codon 81 of the POMT2 protein (p.His81Arg). This variant is present in population databases (rs746662519, gnomAD 0.004%). This variant has not been reported in the literature in individuals affected with POMT2-related conditions. ClinVar contains an entry for this variant (Variation ID: 580857). Advanced modeling of protein sequence and biophysical properties (such as structural, functional, and spatial information, amino acid conservation, physicochemical variation, residue mobility, and thermodynamic stability) has been performed at Invitae for this missense variant, however the output from this modeling did not meet the statistical confidence thresholds required to predict the impact of this variant on POMT2 protein function. In summary, the available evidence is currently insufficient to determine the role of this variant in disease. Therefore, it has been classified as a Variant of Uncertain Significance.

NM_013382.7(POMT2):c.242A>G (p.His81Arg)

Gene: POMT2 (protein O-mannosyltransferase 2; minus strand). Cytogenetic location: 14q24.3.
Variant type: single nucleotide variant.
Coding change: c.242A>G on transcript NM_013382.7 (MANE Select); coding-DNA position 242, A replaced by G.
Protein change: p.His81Arg; replaces histidine 81 with arginine.
Molecular consequence: missense variant.
Genome position (GRCh38, 1-based): chr14:77,320,440, T>C on the plus strand (A>G on the coding strand, the complement: POMT2 is on the minus strand). VCF-style: chr14-77320440-T-C. GRCh37 (hg19) VCF-style: chr14-77786783-T-C.
Other names: short protein forms H81R.
Identifiers: ClinVar variation 580857 (VCV000580857.8), dbSNP rs746662519, ClinGen allele CA7286256.